The following is an entry in ClinVar:

ClinVar aggregate classification (germline): Pathogenic. Review status: criteria provided, multiple submitters, no conflicts (2 of 4 stars). 2 submissions from 2 submitters: Pathogenic (2). Last evaluated 2024-06-12.

Conditions:
Primary ciliary dyskinesia. Also called: Ciliary dyskinesia. Identifiers: Orphanet 244, MedGen C0008780, MONDO:0016575, HP:0012265.

Submissions (2):

Labcorp Genetics (formerly Invitae), Labcorp
Classification: Pathogenic for Primary ciliary dyskinesia. Last evaluated: 2024-06-12. Review status: criteria provided, single submitter. Criteria: Invitae Variant Classification Sherloc (09022015). Collection method: clinical testing. Allele origin: germline.
Comment: This sequence change creates a premature translational stop signal (p.Asn473Glnfs*57) in the CCDC39 gene. It is expected to result in an absent or disrupted protein product. Loss-of-function variants in CCDC39 are known to be pathogenic (PMID: 21131972, 23255504). This variant is not present in population databases (gnomAD no frequency). This variant has not been reported in the literature in individuals affected with CCDC39-related conditions. For these reasons, this variant has been classified as Pathogenic.

Cambridge Genomics Laboratory, East Genomic Laboratory Hub, NHS Genomic Medicine Service
Classification: Pathogenic for Primary ciliary dyskinesia. Last evaluated: 2019-12-03. Review status: criteria provided, single submitter. Criteria: ACGS Best Practice Guidelines for Variant Classification in Rare Disease 2020. Collection method: clinical testing. Allele origin: germline. Affected: yes. Observed: 1 variant allele.

Literature cited by the submitters: PubMed 21131972 (cited by Labcorp Genetics (formerly Invitae), Labcorp); PubMed 23255504 (cited by Labcorp Genetics (formerly Invitae), Labcorp).

NM_181426.2(CCDC39):c.1417_1420del (p.Asn473fs)

Gene: CCDC39 (coiled-coil domain 39 molecular ruler complex subunit; minus strand). Cytogenetic location: 3q26.33.
Variant type: Microsatellite.
Coding change: c.1417_1420del on transcript NM_181426.2 (MANE Select); coding-DNA positions 1417 to 1420, 4 bases deleted (AATT; older notation c.1417_1420delAATT).
Protein change: p.Asn473fs; shifts the reading frame from asparagine 473.
Molecular consequence: frameshift variant.
Genome position (GRCh38, 1-based): chr3:180,647,186-180,647,189, AATT deleted on the plus strand (AATT on the coding strand, the reverse complement: CCDC39 is on the minus strand); deleting any 4 consecutive bases within chr3:180,647,186-180,647,193 gives the same sequence; the c. name uses the placement nearest the transcript's 3' end. VCF-style (leftmost placement, unchanged base first): chr3-180647185-GAATT-G. GRCh37 (hg19) VCF-style: chr3-180364973-GAATT-G.
Other names: short protein forms N473fs.
Identifiers: ClinVar variation 3656359 (VCV003656359.3).